The following is an entry in ClinVar:

ClinVar aggregate classification (germline): Uncertain significance (1 of 4 stars; one submission).

Conditions:
Joubert syndrome 18 (JBTS18). Identifiers: Orphanet 2754, MedGen C3553758, MONDO:0013896, OMIM 614815.
Orofacial-digital syndrome IV (OFD4). Also called: BARAITSER-BURN SYNDROME; MOHR-MAJEWSKI SYNDROME; OFD SYNDROME WITH TIBIAL DEFECTS; OFD SYNDROME, BARAITSER-BURN TYPE; OFDS IV; ORAL-FACIAL-DIGITAL SYNDROME, TYPE IV. Identifiers: Orphanet 2753, MedGen C0406727, MONDO:0009794, OMIM 258860.

Allele frequency attached by ClinVar (database versions not stated): gnomAD exomes 0.00001.
gnomAD v4.1: 9 of 1,608,062 alleles (0.00056%); highest among the groups gnomAD compares: Middle Eastern, 0.033%; no homozygotes.

Submission:

Labcorp Genetics (formerly Invitae), Labcorp
Classification: Uncertain significance for Joubert syndrome 18; Orofacial-digital syndrome IV. Last evaluated: 2021-07-28. Review status: criteria provided, single submitter. Criteria: Invitae Variant Classification Sherloc (09022015). Collection method: clinical testing. Allele origin: germline.
Comment: In summary, the available evidence is currently insufficient to determine the role of this variant in disease. Therefore, it has been classified as a Variant of Uncertain Significance. Nucleotide substitutions within the consensus splice site are a relatively common cause of aberrant splicing (PMID: 17576681, 9536098). Algorithms developed to predict the effect of sequence changes on RNA splicing suggest that this variant is not likely to affect RNA splicing. This variant has not been reported in the literature in individuals affected with TCTN3-related conditions. This variant is not present in population databases (ExAC no frequency). This sequence change falls in intron 6 of the TCTN3 gene. It does not directly change the encoded amino acid sequence of the TCTN3 protein. It affects a nucleotide within the consensus splice site of the intron.

Literature cited by the submitters: PubMed 17576681; PubMed 9536098.

NM_015631.6(TCTN3):c.852+4G>A

Gene: TCTN3 (tectonic family member 3; minus strand). Cytogenetic location: 10q24.1.
Variant type: single nucleotide variant.
Coding change: c.852+4G>A on transcript NM_015631.6 (MANE Select); 4 bases into the intron after coding-DNA position 852, G replaced by A.
Molecular consequence: intron variant.
Genome position (GRCh38, 1-based): chr10:95,687,040, C>T on the plus strand (G>A on the coding strand, the complement: TCTN3 is on the minus strand). VCF-style: chr10-95687040-C-T. GRCh37 (hg19) VCF-style: chr10-97446797-C-T.
Other names: c.615+4G>A (NM_001143973.2).
Identifiers: ClinVar variation 1370720 (VCV001370720.6), dbSNP rs2139748541, ClinGen allele CA2573145996.
Genomic context (GRCh38, chr10:95,687,040, plus strand): 5'-AGTGAGAAGCATGTTCACTTCAACTTCATAGTAGTGACAGTGTAGGGAGAGAAAGGACAC[C>T]TACCTTTAAGACTGTGAAGTTATAGTAAGAGGCAGCATTGAGGGCTGAATCCAAGGTACA-3'